The following is an entry in ClinVar:

NM_002691.4(POLD1):c.1858A>G (p.Thr620Ala)

Gene: POLD1 (DNA polymerase delta 1, catalytic subunit; plus strand). Cytogenetic location: 19q13.33.
Variant type: single nucleotide variant.
Coding change: c.1858A>G on transcript NM_002691.4 (MANE Select); coding-DNA position 1858, A replaced by G.
Protein change: p.Thr620Ala; replaces threonine 620 with alanine.
Molecular consequence: missense variant. On other transcripts: non-coding transcript variant (1).
Genome position (GRCh38, 1-based): chr19:50,408,867, A>G. VCF-style: chr19-50408867-A-G. GRCh37 (hg19) VCF-style: chr19-50912124-A-G.
Other names: c.1858A>G, p.Thr620Ala (NM_001256849.1); c.1936A>G, p.Thr646Ala (NM_001308632.1); short protein forms T620A, T646A.
Identifiers: ClinVar variation 1372730 (VCV001372730.8), dbSNP rs2122369228, ClinGen allele CA406982106.

ClinVar aggregate classification (germline): Uncertain significance (1 of 4 stars; one submission).

Conditions:
POLD1-related polyposis and colorectal cancer syndrome (CRCS10). Also called: Colorectal cancer, susceptibility to, 10; Colorectal cancer 10; COLORECTAL CANCER, SUSCEPTIBILITY TO, ON CHROMOSOME 19q. Identifiers: Orphanet 220460, MedGen C2675481, MONDO:0012953, OMIM 612591.

Submission:

Labcorp Genetics (formerly Invitae), Labcorp
Classification: Uncertain significance for POLD1-related polyposis and colorectal cancer syndrome. Last evaluated: 2021-02-15. Review status: criteria provided, single submitter. Criteria: Invitae Variant Classification Sherloc (09022015). Collection method: clinical testing. Allele origin: germline.
Comment: This variant has not been reported in the literature in individuals with POLD1-related conditions. Algorithms developed to predict the effect of missense changes on protein structure and function (SIFT, PolyPhen-2, Align-GVGD) all suggest that this variant is likely to be disruptive, but these predictions have not been confirmed by published functional studies and their clinical significance is uncertain. In summary, the available evidence is currently insufficient to determine the role of this variant in disease. Therefore, it has been classified as a Variant of Uncertain Significance. This sequence change replaces threonine with alanine at codon 620 of the POLD1 protein (p.Thr620Ala). The threonine residue is highly conserved and there is a small physicochemical difference between threonine and alanine. This variant is not present in population databases (ExAC no frequency).